The following is an entry in ClinVar:

ClinVar aggregate classification (germline): Benign. Review status: criteria provided, multiple submitters, no conflicts (2 of 4 stars). 3 submissions from 3 submitters: Benign (3). Last evaluated 2021-07-14.

Conditions:
Congenital cataract-progressive muscular hypotonia-hearing loss-developmental delay syndrome. Also called: MITOCHONDRIAL COMPLEX DEFICIENCY, COMBINED; Myopathy with cataract and combined respiratory-chain deficiency. Identifiers: Orphanet 330054, MedGen C2751320, MONDO:0013116, OMIM 613076.

Allele frequency attached by ClinVar (database versions not stated): TOPMed 0.14213; 1000 Genomes Project 30x 0.14288; 1000 Genomes Project 0.14397; gnomAD 0.14880 and 0.15317; gnomAD exomes 0.19228.
gnomAD v4.1: 240,933 of 1,288,550 alleles (19%); highest among the groups gnomAD compares: South Asian, 31%; 24,872 homozygotes.

Submissions (3):

Genome-Nilou Lab
Classification: Benign for Congenital cataract-progressive muscular hypotonia-hearing loss-developmental delay syndrome. Last evaluated: 2021-07-14. Review status: criteria provided, single submitter. Criteria: ACMG Guidelines, 2015. Collection method: clinical testing. Allele origin: germline. Affected: no.

GeneDx
Classification: Benign. Last evaluated: 2018-06-14. Review status: criteria provided, single submitter. Criteria: GeneDx Variant Classification (06012015). Collection method: clinical testing. Allele origin: germline. Affected: yes.
Comment: This variant is considered likely benign or benign based on one or more of the following criteria: it is a conservative change, it occurs at a poorly conserved position in the protein, it is predicted to be benign by multiple in silico algorithms, and/or has population frequency not consistent with disease.

Breakthrough Genomics
Classification: Benign. Review status: criteria provided, single submitter. Criteria: ACMG Guidelines, 2015. Collection method: not provided. Allele origin: germline. Inheritance: Autosomal recessive inheritance. Affected: yes.

NM_005262.3(GFER):c.456-83C>T

Gene: GFER (growth factor, augmenter of liver regeneration; plus strand). Cytogenetic location: 16p13.3.
Variant type: single nucleotide variant.
Coding change: c.456-83C>T on transcript NM_005262.3 (MANE Select); 83 bases into the intron before coding-DNA position 456, C replaced by T.
Molecular consequence: intron variant.
Genome position (GRCh38, 1-based): chr16:1,985,783, C>T. VCF-style: chr16-1985783-C-T. GRCh37 (hg19) VCF-style: chr16-2035784-C-T.
Identifiers: ClinVar variation 676126 (VCV000676126.5), dbSNP rs72766615, ClinGen allele CA14291485.